The following is an entry in ClinVar:

ClinVar aggregate classification (germline): Pathogenic/Likely pathogenic. Review status: criteria provided, multiple submitters, no conflicts (2 of 4 stars). 4 submissions from 4 submitters: Pathogenic (3); Likely pathogenic (1). Last evaluated 2025-10-27.

Conditions:
Hereditary cancer-predisposing syndrome. Also called: Neoplastic Syndromes, Hereditary; Hereditary neoplastic syndrome; Hereditary Cancer Syndrome; Tumor predisposition. Identifiers: Orphanet 140162, MedGen C0027672, MeSH D009386, MONDO:0015356.
Familial cancer of breast. Also called: hereditary breast carcinoma; BREAST CANCER, FAMILIAL; Hereditary breast cancer. Identifiers: Orphanet 227535, MedGen C0346153, MONDO:0016419, OMIM 114480. Disease mechanism: loss of function.

Submissions (4):

Ambry Genetics
Classification: Pathogenic for Hereditary cancer-predisposing syndrome. Last evaluated: 2025-10-27. Review status: criteria provided, single submitter. Criteria: Ambry Variant Classification Scheme 2023. Collection method: clinical testing. Allele origin: germline.
Comment: The p.Q141* pathogenic mutation (also known as c.421C>T), located in coding exon 4 of the PALB2 gene, results from a C to T substitution at nucleotide position 421. This changes the amino acid from a glutamine to a stop codon within coding exon 4. This variant is considered to be rare based on population cohorts in the Genome Aggregation Database (gnomAD). This alteration is expected to result in loss of function by premature protein truncation or nonsense-mediated mRNA decay. As such, this alteration is interpreted as a disease-causing mutation.

Myriad Genetics, Inc.
Classification: Pathogenic for Familial cancer of breast. Last evaluated: 2023-09-06. Review status: criteria provided, single submitter. Criteria: Myriad Autosomal Dominant, Autosomal Recessive and X-Linked Classification Criteria (2023). Collection method: clinical testing. Allele origin: unknown.
Comment: This variant is considered pathogenic. This variant creates a termination codon and is predicted to result in premature protein truncation.

Labcorp Genetics (formerly Invitae), Labcorp
Classification: Pathogenic for Familial cancer of breast. Last evaluated: 2023-08-31. Review status: criteria provided, single submitter. Criteria: Invitae Variant Classification Sherloc (09022015). Collection method: clinical testing. Allele origin: germline.
Comment: This sequence change creates a premature translational stop signal (p.Gln141*) in the PALB2 gene. It is expected to result in an absent or disrupted protein product. Loss-of-function variants in PALB2 are known to be pathogenic (PMID: 17200668, 17200671, 17200672, 24136930, 25099575). For these reasons, this variant has been classified as Pathogenic. ClinVar contains an entry for this variant (Variation ID: 265636). This variant has not been reported in the literature in individuals affected with PALB2-related conditions. This variant is not present in population databases (gnomAD no frequency).

GeneDx
Classification: Likely pathogenic. Last evaluated: 2016-07-19. Review status: criteria provided, single submitter. Criteria: GeneDx Variant Classification (06012015). Collection method: clinical testing. Allele origin: germline. Affected: yes.
Comment: This variant is denoted PALB2 c.421C>T at the cDNA level and p.Gln141Ter (Q141X) at the proteinlevel. The substitution creates a nonsense variant, which changes a Glutamine to a premature stop codon (CAG>TAG),and is predicted to cause loss of normal protein function through either protein truncation or nonsense-mediated mRNAdecay. Although this variant has not, to our knowledge, been reported in the literature, it is considered likely pathogenic.

Literature cited by the submitters: PubMed 17200668 (cited by Labcorp Genetics (formerly Invitae), Labcorp); PubMed 17200671 (cited by Labcorp Genetics (formerly Invitae), Labcorp); PubMed 17200672 (cited by Labcorp Genetics (formerly Invitae), Labcorp); PubMed 24136930 (cited by Labcorp Genetics (formerly Invitae), Labcorp); PubMed 25099575 (cited by Labcorp Genetics (formerly Invitae), Labcorp).

NM_024675.4(PALB2):c.421C>T (p.Gln141Ter)

Gene: PALB2 (partner and localizer of BRCA2; minus strand). Cytogenetic location: 16p12.2.
Variant type: single nucleotide variant.
Coding change: c.421C>T on transcript NM_024675.4 (MANE Select); coding-DNA position 421, C replaced by T.
Protein change: p.Gln141Ter; replaces glutamine 141 with a stop codon.
Molecular consequence: nonsense.
Genome position (GRCh38, 1-based): chr16:23,636,125, G>A on the plus strand (C>T on the coding strand, the complement: PALB2 is on the minus strand). VCF-style: chr16-23636125-G-A. GRCh37 (hg19) VCF-style: chr16-23647446-G-A.
Other names: short protein forms Q141*.
Identifiers: ClinVar variation 265636 (VCV000265636.7), dbSNP rs886039686, ClinGen allele CA10588614.